The following is an entry in ClinVar:

NM_000214.3(JAG1):c.733T>C (p.Cys245Arg)

Gene: JAG1 (jagged canonical Notch ligand 1; minus strand). Cytogenetic location: 20p12.2.
Variant type: single nucleotide variant.
Coding change: c.733T>C on transcript NM_000214.3 (MANE Select); coding-DNA position 733, T replaced by C.
Protein change: p.Cys245Arg; replaces cysteine 245 with arginine.
Molecular consequence: missense variant.
Genome position (GRCh38, 1-based): chr20:10,656,420, A>G on the plus strand (T>C on the coding strand, the complement: JAG1 is on the minus strand). VCF-style: chr20-10656420-A-G. GRCh37 (hg19) VCF-style: chr20-10637068-A-G.
Other names: c.733T>C (NM_000214.2); short protein forms C245R.
Identifiers: ClinVar variation 1352933 (VCV001352933.6), dbSNP rs2122620282, ClinGen allele CA408239785.

ClinVar aggregate classification (germline): Uncertain significance. Review status: criteria provided, multiple submitters, no conflicts (2 of 4 stars). 2 submissions from 2 submitters: Uncertain significance (2). Last evaluated 2023-08-16.

Conditions:
Alagille syndrome due to a JAG1 point mutation. Also called: JAG1-Related Alagille Syndrome; Alagille Syndrome 1; HEPATIC DUCTULAR HYPOPLASIA, SYNDROMATIC. Identifiers: Orphanet 261619, Orphanet 52, MedGen C1956125, MONDO:0016862, OMIM 118450.

Submissions (2):

Women's Health and Genetics/Laboratory Corporation of America, LabCorp
Classification: Uncertain significance. Last evaluated: 2023-08-16. Review status: criteria provided, single submitter. Criteria: LabCorp Variant Classification Summary - May 2015. Collection method: clinical testing. Allele origin: germline.

Labcorp Genetics (formerly Invitae), Labcorp
Classification: Uncertain significance for Alagille syndrome due to a JAG1 point mutation. Last evaluated: 2022-05-24. Review status: criteria provided, single submitter. Criteria: Invitae Variant Classification Sherloc (09022015). Collection method: clinical testing. Allele origin: germline.
Comment: This sequence change replaces cysteine, which is neutral and slightly polar, with arginine, which is basic and polar, at codon 245 of the JAG1 protein (p.Cys245Arg). This variant is not present in population databases (gnomAD no frequency). This variant has not been reported in the literature in individuals affected with JAG1-related conditions. Advanced modeling of protein sequence and biophysical properties (such as structural, functional, and spatial information, amino acid conservation, physicochemical variation, residue mobility, and thermodynamic stability) performed at Invitae indicates that this missense variant is expected to disrupt JAG1 protein function. In summary, the available evidence is currently insufficient to determine the role of this variant in disease. Therefore, it has been classified as a Variant of Uncertain Significance.